The following is an entry in ClinVar:

NM_201596.3(CACNB2):c.209G>A (p.Arg70His)

Gene: CACNB2 (calcium voltage-gated channel auxiliary subunit beta 2; plus strand). Cytogenetic location: 10p12.33.
Variant type: single nucleotide variant.
Coding change: c.209G>A on transcript NM_201596.3 (MANE Select); coding-DNA position 209, G replaced by A.
Protein change: p.Arg70His; replaces arginine 70 with histidine.
Molecular consequence: missense variant.
Genome position (GRCh38, 1-based): chr10:18,150,971, G>A. VCF-style: chr10-18150971-G-A. GRCh37 (hg19) VCF-style: chr10-18439900-G-A.
Other names: p.R70H:CGC>CAC; c.125G>A, p.Arg42His (NM_001167945.2, NM_201571.4, NM_201572.4); c.209G>A, p.Arg70His (NM_201593.3, NM_201597.3); short protein forms R70H, R42H.
Identifiers: ClinVar variation 190713 (VCV000190713.12), dbSNP rs150722502, ClinGen allele CA235670.
Genomic context (GRCh38, chr10:18,150,971, plus strand): 5'-ACAGATTTAAAGGATCTGATGGAAGCACGTCATCTGATACTACCTCAAATAGTTTTGTTC[G>A]CCAGGTAAGAGTTTTAAGTTCATGGTTTTGATAAGTACCTTAAAATGACTTTAGATTTTT-3'
Protein context (NP_963890.2, residues 60-80): SSDTTSNSFV[Arg70His]QGSADSYTSR

ClinVar aggregate classification (germline): Likely benign. Review status: criteria provided, multiple submitters, no conflicts (2 of 4 stars). 7 submissions from 7 submitters: Likely benign (3). 4 of the submissions do not count toward it. Last evaluated 2024-11-26.

Conditions:
CACNB2-related disorder. Also called: CACNB2-related condition.

Allele frequency attached by ClinVar (database versions not stated): 1000 Genomes Project 30x 0.00062; 1000 Genomes Project 0.00060; ExAC 0.00088; gnomAD exomes 0.00077; gnomAD 0.00063; TOPMed 0.00074; ESP Exome Variant Server 0.00077.
gnomAD v4.1: 1,526 of 1,568,760 alleles (0.097%); highest among the groups gnomAD compares: Non-Finnish European, 0.12%; 1 homozygote.

Submissions (7):

Blueprint Genetics
Classification: Likely benign. Last evaluated: 2024-11-26. Review status: criteria provided, single submitter. Criteria: ACMG Guidelines, 2015. Collection method: clinical testing. Allele origin: germline.

GeneDx
Classification: Likely benign. Last evaluated: 2020-11-27. Review status: criteria provided, single submitter. Criteria: GeneDx Variant Classification Process June 2021. Collection method: clinical testing. Allele origin: germline. Affected: yes.
Comment: In silico analysis, which includes protein predictors and evolutionary conservation, supports a deleterious effect; This variant is associated with the following publications: (PMID: 28255936, 23861362)

Biesecker Lab/Clinical Genomics Section, National Institutes of Health
Classification: Likely benign. Last evaluated: 2013-06-24. Review status: criteria provided, single submitter. Criteria: Ng et al. (Circ Cardiovasc Genet. 2013). Collection method: research. Allele origin: unknown. Observed: 1 variant allele. Study: ClinSeq.
Comment: The study set was not selected for affection status in relation to any cancer. Pathogenicity categories were based on literature curation. See Pubmed ID:23861362 for details.

Medical sequencing

PreventionGenetics, part of Exact Sciences
Classification: Likely benign for CACNB2-related condition. Last evaluated: 2023-11-06. Review status: no assertion criteria provided. Collection method: clinical testing. Allele origin: germline. Not counted in ClinVar's aggregate classification.
Comment: This variant is classified as likely benign based on ACMG/AMP sequence variant interpretation guidelines (Richards et al. 2015 PMID: 25741868, with internal and published modifications).

Clinical Genetics, Academic Medical Center
Classification: Likely benign. Review status: no assertion criteria provided. Collection method: clinical testing. Allele origin: germline. Affected: yes. Study: VKGL Data-share Consensus. Not counted in ClinVar's aggregate classification.

Genome Diagnostics Laboratory, University Medical Center Utrecht
Classification: Likely benign. Review status: no assertion criteria provided. Collection method: clinical testing. Allele origin: germline. Affected: yes. Study: VKGL Data-share Consensus. Not counted in ClinVar's aggregate classification.

Joint Genome Diagnostic Labs from Nijmegen and Maastricht, Radboudumc and MUMC+
Classification: Benign. Review status: no assertion criteria provided. Collection method: clinical testing. Allele origin: germline. Affected: yes. Study: VKGL Data-share Consensus. Not counted in ClinVar's aggregate classification.